The following is an entry in ClinVar:

ClinVar aggregate classification (germline): Uncertain significance (1 of 4 stars; one submission).

Conditions:
Intellectual disability-hypotonic facies syndrome, X-linked, 1 (MRXHF1). Also called: XLMR-HYPOTONIC FACIES SYNDROME; Smith Fineman Myers syndrome 1; X-linked intellectual disability-hypotonic face syndrome; CHUDLEY-LOWRY SYNDROME; Chudley syndrome 1; Chudley-Lowry-Hoar syndrome. Identifiers: Orphanet 73220, Orphanet 93970, Orphanet 93971, Orphanet 93972, Orphanet 93973, Orphanet 93974, Orphanet 93975, MedGen C4759781, MONDO:0010663, OMIM 309580.

gnomAD v4.1: 1 of 1,206,560 alleles (0.000083%); highest among the groups gnomAD compares: Non-Finnish European, 0.00011%; no homozygotes.

Submission:

Clinical Genomics Laboratory, Stanford Medicine
Classification: Uncertain significance for Intellectual disability-hypotonic facies syndrome, X-linked, 1. Last evaluated: 2021-06-21. Review status: criteria provided, single submitter. Criteria: ACMG Guidelines, 2015. Collection method: clinical testing. Allele origin: germline. Inheritance: X-linked recessive inheritance. Affected: yes. Observed: 1 hemizygote.
Comment: The p.Gly1217Ser variant in the ATRX gene has not been previously reported in association with disease. This variant was absent from large population databases, including the Genome Aggregation Database. The ATRX gene has fewer missense variants in the general population than expected. A low rate of missense variation may suggest that this gene is intolerant to missense variation. These data were assessed using the ACMG/AMP variant interpretation guidelines. In summary, the significance of the p.Gly1217Ser variant is uncertain. Additional information is needed to resolve the significance of this variant. [ACMG evidence codes used: PM2, PP2]

NM_000489.6(ATRX):c.3649G>A (p.Gly1217Ser)

Gene: ATRX (ATRX chromatin remodeler; minus strand). Cytogenetic location: Xq21.1.
Variant type: single nucleotide variant.
Coding change: c.3649G>A on transcript NM_000489.6 (MANE Select); coding-DNA position 3649, G replaced by A.
Protein change: p.Gly1217Ser; replaces glycine 1217 with serine.
Molecular consequence: missense variant.
Genome position (GRCh38, 1-based): chrX:77,681,607, C>T on the plus strand (G>A on the coding strand, the complement: ATRX is on the minus strand). VCF-style: chrX-77681607-C-T. GRCh37 (hg19) VCF-style: chrX-76937099-C-T.
Other names: p.Gly1217Ser; c.3535G>A, p.Gly1179Ser (NM_138270.5); short protein forms G1179S, G1217S.
Identifiers: ClinVar variation 2687742 (VCV002687742.1), dbSNP rs781917332, ClinGen allele CA413705854.